The following is an entry in ClinVar:

NM_000038.6(APC):c.6516G>C (p.Glu2172Asp)

Gene: APC (APC regulator of Wnt signaling pathway; plus strand). Cytogenetic location: 5q22.2.
Variant type: single nucleotide variant.
Coding change: c.6516G>C on transcript NM_000038.6 (MANE Select); coding-DNA position 6516, G replaced by C.
Protein change: p.Glu2172Asp; replaces glutamic acid 2172 with aspartic acid.
Molecular consequence: missense variant.
Genome position (GRCh38, 1-based): chr5:112,842,110, G>C. VCF-style: chr5-112842110-G-C. GRCh37 (hg19) VCF-style: chr5-112177807-G-C.
Other names: c.6516G>C, p.Glu2172Asp (NM_001127510.3, NM_001354895.2); c.6462G>C, p.Glu2154Asp (NM_001127511.3); c.6570G>C, p.Glu2190Asp (NM_001354896.2); c.6546G>C, p.Glu2182Asp (NM_001354897.2); c.6441G>C, p.Glu2147Asp (NM_001354898.2); c.6432G>C, p.Glu2144Asp (NM_001354899.2); c.6393G>C, p.Glu2131Asp (NM_001354900.2); c.6339G>C, p.Glu2113Asp (NM_001354901.2); and 5 more; short protein forms E2154D, E2172D, E2012D, E2113D, E2131D, E2144D, E2147D, E2190D.
Identifiers: ClinVar variation 485105 (VCV000485105.14), dbSNP rs1554087490, ClinGen allele CA16035584.

ClinVar aggregate classification (germline): Uncertain significance. Review status: criteria provided, multiple submitters, no conflicts (2 of 4 stars). 4 submissions from 4 submitters: Uncertain significance (4). Last evaluated 2025-06-27.

Conditions:
Hereditary cancer-predisposing syndrome. Also called: Neoplastic Syndromes, Hereditary; Tumor predisposition; Hereditary Cancer Syndrome; Hereditary neoplastic syndrome. Identifiers: Orphanet 140162, MedGen C0027672, MeSH D009386, MONDO:0015356.
Familial adenomatous polyposis 1 (FAP1). Also called: FAMILIAL ADENOMATOUS POLYPOSIS 1, ATTENUATED; POLYPOSIS, ADENOMATOUS INTESTINAL. Identifiers: MedGen C2713442, MONDO:0021056, OMIM 175100. Disease mechanism: loss of function.

Submissions (4):

Labcorp Genetics (formerly Invitae), Labcorp
Classification: Uncertain significance for Familial adenomatous polyposis 1. Last evaluated: 2025-06-27. Review status: criteria provided, single submitter. Criteria: Invitae Variant Classification Sherloc (09022015). Collection method: clinical testing. Allele origin: germline.
Comment: This sequence change replaces glutamic acid, which is acidic and polar, with aspartic acid, which is acidic and polar, at codon 2172 of the APC protein (p.Glu2172Asp). This variant is not present in population databases (gnomAD no frequency). This variant has not been reported in the literature in individuals affected with APC-related conditions. ClinVar contains an entry for this variant (Variation ID: 485105). Invitae Evidence Modeling of protein sequence and biophysical properties (such as structural, functional, and spatial information, amino acid conservation, physicochemical variation, residue mobility, and thermodynamic stability) indicates that this missense variant is not expected to disrupt APC protein function with a negative predictive value of 95%. In summary, the available evidence is currently insufficient to determine the role of this variant in disease. Therefore, it has been classified as a Variant of Uncertain Significance.

Ambry Genetics
Classification: Uncertain significance for Hereditary cancer-predisposing syndrome. Last evaluated: 2025-03-04. Review status: criteria provided, single submitter. Criteria: Ambry Variant Classification Scheme 2023. Collection method: clinical testing. Allele origin: germline.
Comment: The p.E2172D variant (also known as c.6516G>C), located in coding exon 15 of the APC gene, results from a G to C substitution at nucleotide position 6516. The glutamic acid at codon 2172 is replaced by aspartic acid, an amino acid with highly similar properties. Missense alterations in APC are not a common cause of disease (Spier I et al. Genet Med. 2024 Feb;26(2):100992). This amino acid position is well conserved in available vertebrate species. In addition, in silico predictors for this gene do not accurately predict pathogenicity. Based on the available evidence, the clinical significance of this variant remains unclear.

Quest Diagnostics Nichols Institute San Juan Capistrano
Classification: Uncertain significance. Last evaluated: 2024-08-19. Review status: criteria provided, single submitter. Criteria: Quest Diagnostics criteria. Collection method: clinical testing. Allele origin: unknown.
Comment: The APC c.6516G>C (p.Glu2172Asp) variant has not been reported in individuals with APC-related conditions in the published literature. It also has not been reported in large, multi-ethnic general populations (Genome Aggregation Database). Analysis of this variant using bioinformatics tools for the prediction of the effect of amino acid changes on protein structure and function yielded predictions that this variant is benign. Based on the available information, we are unable to determine the clinical significance of this variant.

Baylor Genetics
Classification: Uncertain significance for Familial adenomatous polyposis 1. Last evaluated: 2023-09-06. Review status: criteria provided, single submitter. Criteria: ACMG Guidelines, 2015. Collection method: clinical testing. Allele origin: unknown.